The following is an entry in ClinVar:

NM_016457.5(PRKD2):c.2361G>A (p.Leu787=)

Genes: DACT3-AS1 (DACT3 antisense RNA 1; plus strand), PRKD2 (protein kinase D2; minus strand). Cytogenetic location: 19q13.32.
Variant type: single nucleotide variant.
Coding change: c.2361G>A on transcript NM_016457.5 (MANE Select); coding-DNA position 2361, G replaced by A.
Protein change: p.Leu787=; no amino-acid change (leucine 787 retained).
Molecular consequence: synonymous variant.
Genome position (GRCh38, 1-based): chr19:46,675,096, C>T on the plus strand (G>A on the coding strand, the complement: PRKD2 is on the minus strand). VCF-style: chr19-46675096-C-T. GRCh37 (hg19) VCF-style: chr19-47178353-C-T.
Other names: c.2361G>A, p.Leu787= (NM_001079880.2, NM_001079881.2); c.1890G>A, p.Leu630= (NM_001079882.2).
Identifiers: ClinVar variation 2650140 (VCV002650140.24), dbSNP rs752652778, ClinGen allele CA9530551.

ClinVar aggregate classification (germline): Likely benign (1 of 4 stars; one submission).

Allele frequency attached by ClinVar (database versions not stated): TOPMed below 0.00001; ExAC 0.00001; gnomAD exomes 0.00001.
gnomAD v4.1: 8 of 1,611,312 alleles (0.0005%); highest among the groups gnomAD compares: Admixed American, 0.0017%; no homozygotes.

Submission:

CeGaT Center for Human Genetics Tuebingen
Classification: Likely benign. Last evaluated: 2022-09-01. Review status: criteria provided, single submitter. Criteria: CeGaT Center For Human Genetics Tuebingen Variant Classification Criteria Version 2. Collection method: clinical testing. Allele origin: germline. Affected: yes. Observed: 1 variant allele.
Comment: PRKD2: BP4, BP7